The following is an entry in ClinVar:

NM_000368.5(TSC1):c.913+8G>A

Gene: TSC1 (TSC complex subunit 1; minus strand). Cytogenetic location: 9q34.13.
Variant type: single nucleotide variant.
Coding change: c.913+8G>A on transcript NM_000368.5 (MANE Select); 8 bases into the intron after coding-DNA position 913, G replaced by A.
Molecular consequence: intron variant.
Genome position (GRCh38, 1-based): chr9:132,912,274, C>T on the plus strand (G>A on the coding strand, the complement: TSC1 is on the minus strand). VCF-style: chr9-132912274-C-T. GRCh37 (hg19) VCF-style: chr9-135787661-C-T.
Other names: c.550+8G>A (NM_001406620.1, NM_001406618.1, NM_001406625.1 and 10 more transcripts); c.760+8G>A (NM_001406613.1, NM_001406612.1, NM_001406610.1 and 2 more transcripts); c.-39+8G>A (NM_001406627.1, NM_001406628.1, NM_001406626.1); c.-181+8G>A (NM_001406629.1, NM_001406630.1); c.913+8G>A (NM_001406603.1, NM_001406609.1, NM_001406597.1 and 16 more transcripts).
Identifiers: ClinVar variation 2858058 (VCV002858058.4), dbSNP rs763784439, ClinGen allele CA2739264823.
Genomic context (GRCh38, chr9:132,912,274, plus strand): 5'-AACAAAGACAAATAATGTTTTCCAGAGACAAAGTTGCAAAACAGATAAGTACCAAAGACA[C>T]TTTTTACCATAGCTATTCTGTGTGTCAGCATAAGGGCTGGTGGTGACATCGGCTGAACGA-3'

ClinVar aggregate classification (germline): Likely benign. Review status: criteria provided, multiple submitters, no conflicts (2 of 4 stars). 2 submissions from 2 submitters: Likely benign (2). Last evaluated 2025-04-09.

Conditions:
Tuberous sclerosis 1 (TSC1). Identifiers: Orphanet 805, MedGen C1854465, MONDO:0008612, OMIM 191100.

Submissions (2):

Myriad Genetics, Inc.
Classification: Likely benign for Tuberous sclerosis 1. Last evaluated: 2025-04-09. Review status: criteria provided, single submitter. Criteria: Myriad Autosomal Dominant, Autosomal Recessive and X-Linked Classification Criteria (2023). Collection method: clinical testing. Allele origin: unknown.
Comment: This variant is considered likely benign. This variant is intronic and is not expected to impact mRNA splicing.

Labcorp Genetics (formerly Invitae), Labcorp
Classification: Likely benign for Tuberous sclerosis 1. Last evaluated: 2023-11-27. Review status: criteria provided, single submitter. Criteria: Invitae Variant Classification Sherloc (09022015). Collection method: clinical testing. Allele origin: germline.